The following is an entry in ClinVar:

ClinVar aggregate classification (germline): Benign/Likely benign. Review status: criteria provided, multiple submitters, no conflicts (2 of 4 stars). 12 submissions from 10 submitters: Benign (9); Likely benign (1). 2 of the submissions do not count toward it. Last evaluated 2026-02-01.

Conditions:
Pyropoikilocytosis, hereditary. Also called: Pyropoikilocytosis. Identifiers: MedGen C0520739, MONDO:0009948, OMIM 266140, HP:0004839. Disease mechanism: loss of function.
Hereditary spherocytosis type 3. Also called: Spherocytosis type 3; SPTA1-Related Spherocytosis. Identifiers: Orphanet 822, MedGen C2678338, MONDO:0010053, OMIM 270970.
Elliptocytosis 2 (EL2). Also called: ELLIPTOCYTOSIS, RHESUS-UNLINKED TYPE. Identifiers: Orphanet 288, MedGen C1851741, MONDO:0007533, OMIM 130600.

Allele frequency attached by ClinVar (database versions not stated): gnomAD exomes 0.26677 and 0.30693; ExAC 0.30927; ESP Exome Variant Server 0.38696; gnomAD 0.39571 and 0.40606; TOPMed 0.41614; 1000 Genomes Project 0.42352; 1000 Genomes Project 30x 0.43239.
gnomAD v4.1: 451,608 of 1,612,524 alleles (28%); highest among the groups gnomAD compares: African/African-American, 71%; 73,055 homozygotes.

Submissions (12):

Labcorp Genetics (formerly Invitae), Labcorp
Classification: Benign. Last evaluated: 2026-02-01. Review status: criteria provided, single submitter. Criteria: Invitae Variant Classification Sherloc (09022015). Collection method: clinical testing. Allele origin: germline.

ARUP Laboratories, Molecular Genetics and Genomics, ARUP Laboratories
Classification: Benign. Last evaluated: 2025-07-28. Review status: criteria provided, single submitter. Criteria: ARUP Molecular Germline Variant Investigation Process 2024. Collection method: clinical testing. Allele origin: germline.

Blueprint Genetics
Classification: Likely benign. Last evaluated: 2024-11-26. Review status: criteria provided, single submitter. Criteria: ACMG Guidelines, 2015. Collection method: clinical testing. Allele origin: germline.

GeneDx
Classification: Benign. Last evaluated: 2021-05-24. Review status: criteria provided, single submitter. Criteria: GeneDx Variant Classification Process June 2021. Collection method: clinical testing. Allele origin: germline. Affected: yes.

Illumina Laboratory Services, Illumina
Classification: Benign for Pyropoikilocytosis, hereditary. Last evaluated: 2018-01-13. Review status: criteria provided, single submitter. Criteria: ICSL Variant Classification Criteria 13 December 2019. Collection method: clinical testing. Allele origin: germline.
Comment: This variant was observed in the ICSL laboratory as part of a predisposition screen in an ostensibly healthy population. It had not been previously curated by ICSL or reported in the Human Gene Mutation Database (HGMD: prior to June 1st, 2018), and was therefore a candidate for classification through an automated scoring system. Utilizing variant allele frequency, disease prevalence and penetrance estimates, and inheritance mode, an automated score was calculated to assess if this variant is too frequent to cause the disease. Based on the score and internal cut-off values, a variant classified as benign is not then subjected to further curation. The score for this variant resulted in a classification of benign for this disease.

Illumina Laboratory Services, Illumina
Classification: Benign for Hereditary spherocytosis type 3. Last evaluated: 2018-01-13. Review status: criteria provided, single submitter. Criteria: ICSL Variant Classification Criteria 13 December 2019. Collection method: clinical testing. Allele origin: germline.
Comment: the same text as in the submission from Illumina Laboratory Services, Illumina above.

Illumina Laboratory Services, Illumina
Classification: Benign for Elliptocytosis 2. Last evaluated: 2018-01-13. Review status: criteria provided, single submitter. Criteria: ICSL Variant Classification Criteria 13 December 2019. Collection method: clinical testing. Allele origin: germline.
Comment: the same text as in the submission from Illumina Laboratory Services, Illumina above.

Mayo Clinic Laboratories, Mayo Clinic
Classification: Benign. Last evaluated: 2016-04-16. Review status: criteria provided, single submitter. Criteria: ACMG Guidelines, 2015. Collection method: clinical testing. Allele origin: germline. Observed: 1,318 variant alleles.

Breakthrough Genomics
Classification: Benign. Review status: criteria provided, single submitter. Criteria: ACMG Guidelines, 2015. Collection method: not provided. Allele origin: germline. Inheritance: Autosomal recessive inheritance. Affected: yes.

PreventionGenetics, part of Exact Sciences
Classification: Benign. Review status: criteria provided, single submitter. Criteria: ACMG Guidelines, 2015. Collection method: clinical testing. Allele origin: germline.

Diagnostic Laboratory, Department of Genetics, University Medical Center Groningen
Classification: Benign. Review status: no assertion criteria provided. Collection method: clinical testing. Allele origin: germline. Affected: yes. Study: VKGL Data-share Consensus. Not counted in ClinVar's aggregate classification.

Genome Diagnostics Laboratory, University Medical Center Utrecht
Classification: Benign. Review status: no assertion criteria provided. Collection method: clinical testing. Allele origin: germline. Affected: yes. Study: VKGL Data-share Consensus. Not counted in ClinVar's aggregate classification.

NM_003126.4(SPTA1):c.2874G>A (p.Leu958=)

Gene: SPTA1 (spectrin alpha, erythrocytic 1; minus strand). Cytogenetic location: 1q23.1.
Variant type: single nucleotide variant.
Coding change: c.2874G>A on transcript NM_003126.4 (MANE Select); coding-DNA position 2874, G replaced by A.
Protein change: p.Leu958=; no amino-acid change (leucine 958 retained).
Molecular consequence: synonymous variant.
Genome position (GRCh38, 1-based): chr1:158,656,588, C>T on the plus strand (G>A on the coding strand, the complement: SPTA1 is on the minus strand). VCF-style: chr1-158656588-C-T. GRCh37 (hg19) VCF-style: chr1-158626378-C-T.
Other names: p.Leu958=.
Identifiers: ClinVar variation 258926 (VCV000258926.35), dbSNP rs857691, ClinGen allele CA1183252.